The following is an entry in ClinVar:

ClinVar aggregate classification (germline): Uncertain significance (1 of 4 stars; one submission).

Submission:

GeneDx
Classification: Uncertain significance. Last evaluated: 2022-04-27. Review status: criteria provided, single submitter. Criteria: GeneDx Variant Classification Process June 2021. Collection method: clinical testing. Allele origin: germline. Affected: yes.
Comment: Not observed at significant frequency in large population cohorts (gnomAD); In silico analysis supports that this missense variant does not alter protein structure/function; Has not been previously published as pathogenic or benign to our knowledge

NM_001903.5(CTNNA1):c.1246G>A (p.Val416Ile)

Gene: CTNNA1 (catenin alpha 1; plus strand). Cytogenetic location: 5q31.2.
Variant type: single nucleotide variant.
Coding change: c.1246G>A on transcript NM_001903.5 (MANE Select); coding-DNA position 1246, G replaced by A.
Protein change: p.Val416Ile; replaces valine 416 with isoleucine.
Molecular consequence: missense variant. On other transcripts: 5 prime UTR variant (5), intron variant (2).
Genome position (GRCh38, 1-based): chr5:138,887,592, G>A. VCF-style: chr5-138887592-G-A. GRCh37 (hg19) VCF-style: chr5-138223281-G-A.
Other names: c.1246G>A, p.Val416Ile (NM_001290307.3, NM_001323982.2, NM_001323983.1 and 3 more transcripts); c.937G>A, p.Val313Ile (NM_001290309.3); c.877G>A, p.Val293Ile (NM_001290310.3); c.136G>A, p.Val46Ile (NM_001290312.1, NM_001323987.1, NM_001323988.1 and 18 more transcripts); c.-262G>A (NM_001324006.1, NM_001324007.1, NM_001324008.1 and 1 more transcripts); c.-137G>A (NM_001324013.1); c.-58+11995G>A (NM_001324012.1); c.-61+11995G>A (NM_001324010.1); short protein forms V293I, V313I, V416I, V46I.
Identifiers: ClinVar variation 1712906 (VCV001712906.2), dbSNP rs2150032738, ClinGen allele CA361133161.